The following is an entry in ClinVar:

ClinVar aggregate classification (germline): Uncertain significance (1 of 4 stars; one submission).

Submission:

Labcorp Genetics (formerly Invitae), Labcorp
Classification: Uncertain significance. Last evaluated: 2022-08-01. Review status: criteria provided, single submitter. Criteria: Invitae Variant Classification Sherloc (09022015). Collection method: clinical testing. Allele origin: germline.
Comment: In summary, the available evidence is currently insufficient to determine the role of this variant in disease. Therefore, it has been classified as a Variant of Uncertain Significance. Algorithms developed to predict the effect of missense changes on protein structure and function are either unavailable or do not agree on the potential impact of this missense change (SIFT: "Deleterious"; PolyPhen-2: "Benign"; Align-GVGD: "Class C0"). This variant has not been reported in the literature in individuals affected with INPPL1-related conditions. This variant is not present in population databases (gnomAD no frequency). This sequence change replaces arginine, which is basic and polar, with proline, which is neutral and non-polar, at codon 953 of the INPPL1 protein (p.Arg953Pro).

NM_001567.4(INPPL1):c.2858G>C (p.Arg953Pro)

Gene: INPPL1 (inositol polyphosphate phosphatase like 1; plus strand). Cytogenetic location: 11q13.4.
Variant type: single nucleotide variant.
Coding change: c.2858G>C on transcript NM_001567.4 (MANE Select); coding-DNA position 2858, G replaced by C.
Protein change: p.Arg953Pro; replaces arginine 953 with proline.
Molecular consequence: missense variant.
Genome position (GRCh38, 1-based): chr11:72,235,965, G>C. VCF-style: chr11-72235965-G-C. GRCh37 (hg19) VCF-style: chr11-71947009-G-C.
Other names: short protein forms R953P.
Identifiers: ClinVar variation 1714723 (VCV001714723.5), dbSNP rs746877267, ClinGen allele CA381736838.